The following is an entry in ClinVar:

NM_006563.5(KLF1):c.311C>T (p.Ala104Val)

Gene: KLF1 (KLF transcription factor 1; minus strand). Cytogenetic location: 19p13.13.
Variant type: single nucleotide variant.
Coding change: c.311C>T on transcript NM_006563.5 (MANE Select); coding-DNA position 311, C replaced by T.
Protein change: p.Ala104Val; replaces alanine 104 with valine.
Molecular consequence: missense variant.
Genome position (GRCh38, 1-based): chr19:12,885,919, G>A on the plus strand (C>T on the coding strand, the complement: KLF1 is on the minus strand). VCF-style: chr19-12885919-G-A. GRCh37 (hg19) VCF-style: chr19-12996733-G-A.
Other names: p.Ala104Val; short protein forms A104V.
Identifiers: ClinVar variation 328321 (VCV000328321.13), dbSNP rs182276666, ClinGen allele CA9234060.

ClinVar aggregate classification (germline): Conflicting classifications of pathogenicity. Review status: criteria provided, conflicting classifications (1 of 4 stars). 5 submissions from 5 submitters: Uncertain significance (1); Benign (1); Likely benign (3). Last evaluated 2026-01-24.

Conditions:
Anemia, congenital dyserythropoietic, type IVa. Also called: Congenital dyserythropoietic anemia type 4; Congenital dyserythropoietic anemia, type IV; CDA, TYPE IVa. Identifiers: Orphanet 293825, MedGen C3150926, MONDO:0013355, OMIM 613673.

Allele frequency attached by ClinVar (database versions not stated): ESP Exome Variant Server 0.00250; 1000 Genomes Project 30x 0.00078; gnomAD 0.00192 and 0.00210; TOPMed 0.00207; 1000 Genomes Project 0.00080.

Submissions (5):

Labcorp Genetics (formerly Invitae), Labcorp
Classification: Likely benign. Last evaluated: 2026-01-24. Review status: criteria provided, single submitter. Criteria: Invitae Variant Classification Sherloc (09022015). Collection method: clinical testing. Allele origin: germline.

Mayo Clinic Laboratories, Mayo Clinic
Classification: Likely benign. Last evaluated: 2025-09-29. Review status: criteria provided, single submitter. Criteria: ACMG Guidelines, 2015. Collection method: clinical testing. Allele origin: germline. Observed: 9 variant alleles.
Comment: BS1, BP4

Blueprint Genetics
Classification: Likely benign. Last evaluated: 2024-11-19. Review status: criteria provided, single submitter. Criteria: ACMG Guidelines, 2015. Collection method: clinical testing. Allele origin: germline.

GeneDx
Classification: Uncertain significance. Last evaluated: 2024-11-08. Review status: criteria provided, single submitter. Criteria: GeneDx Variant Classification Process June 2021. Collection method: clinical testing. Allele origin: germline. Affected: yes.
Comment: In silico analysis indicates that this missense variant does not alter protein structure/function; Has not been previously reported in association with KLF1-related disorder as pathogenic or benign to our knowledge; This variant is associated with the following publications: (PMID: 23125034, 29047116)

Illumina Laboratory Services, Illumina
Classification: Benign for Anemia, congenital dyserythropoietic, type IVa. Last evaluated: 2018-01-13. Review status: criteria provided, single submitter. Criteria: ICSL Variant Classification Criteria 13 December 2019. Collection method: clinical testing. Allele origin: germline.
Comment: This variant was observed in the ICSL laboratory as part of a predisposition screen in an ostensibly healthy population. It had not been previously curated by ICSL or reported in the Human Gene Mutation Database (HGMD: prior to June 1st, 2018), and was therefore a candidate for classification through an automated scoring system. Utilizing variant allele frequency, disease prevalence and penetrance estimates, and inheritance mode, an automated score was calculated to assess if this variant is too frequent to cause the disease. Based on the score and internal cut-off values, a variant classified as benign is not then subjected to further curation. The score for this variant resulted in a classification of benign for this disease.